The following is an entry in ClinVar:

ClinVar aggregate classification (germline): Uncertain significance (1 of 4 stars; one submission).

Conditions:
Familial adenomatous polyposis 1 (FAP1). Also called: FAMILIAL ADENOMATOUS POLYPOSIS 1, ATTENUATED; POLYPOSIS, ADENOMATOUS INTESTINAL. Identifiers: MedGen C2713442, MONDO:0021056, OMIM 175100. Disease mechanism: loss of function.

gnomAD v4.1: 1 of 1,613,032 alleles (0.000062%); highest among the groups gnomAD compares: South Asian, 0.0011%; no homozygotes.

Submission:

Labcorp Genetics (formerly Invitae), Labcorp
Classification: Uncertain significance for Familial adenomatous polyposis 1. Last evaluated: 2023-04-19. Review status: criteria provided, single submitter. Criteria: Invitae Variant Classification Sherloc (09022015). Collection method: clinical testing. Allele origin: germline.
Comment: In summary, the available evidence is currently insufficient to determine the role of this variant in disease. Therefore, it has been classified as a Variant of Uncertain Significance. Advanced modeling of protein sequence and biophysical properties (such as structural, functional, and spatial information, amino acid conservation, physicochemical variation, residue mobility, and thermodynamic stability) performed at Invitae indicates that this missense variant is not expected to disrupt APC protein function. This variant has not been reported in the literature in individuals affected with APC-related conditions. This variant is present in population databases (no rsID available, gnomAD 0.003%). This sequence change replaces glycine, which is neutral and non-polar, with glutamic acid, which is acidic and polar, at codon 1836 of the APC protein (p.Gly1836Glu).

NM_000038.6(APC):c.5507G>A (p.Gly1836Glu)

Gene: APC (APC regulator of Wnt signaling pathway; plus strand). Cytogenetic location: 5q22.2.
Variant type: single nucleotide variant.
Coding change: c.5507G>A on transcript NM_000038.6 (MANE Select); coding-DNA position 5507, G replaced by A.
Protein change: p.Gly1836Glu; replaces glycine 1836 with glutamic acid.
Molecular consequence: missense variant. On other transcripts: non-coding transcript variant (2).
Genome position (GRCh38, 1-based): chr5:112,841,101, G>A. VCF-style: chr5-112841101-G-A. GRCh37 (hg19) VCF-style: chr5-112176798-G-A.
Other names: c.5507G>A, p.Gly1836Glu (NM_001127510.3, NM_001354895.2, NM_001407450.1); c.5453G>A, p.Gly1818Glu (NM_001127511.3); c.5561G>A, p.Gly1854Glu (NM_001354896.2, NM_001407447.1, NM_001407448.1 and 1 more transcripts); c.5537G>A, p.Gly1846Glu (NM_001354897.2); c.5432G>A, p.Gly1811Glu (NM_001354898.2); c.5423G>A, p.Gly1808Glu (NM_001354899.2); c.5384G>A, p.Gly1795Glu (NM_001354900.2); c.5330G>A, p.Gly1777Glu (NM_001354901.2, NM_001407453.1); and 11 more; short protein forms G1676E, G1707E, G1753E, G1777E, G1818E, G1452E, G1553E, G1735E.
Identifiers: ClinVar variation 3017422 (VCV003017422.3), dbSNP rs1363066852, ClinGen allele CA16033379.
Genomic context (GRCh38, chr5:112,841,101, plus strand): 5'-TGAAAAATAATTCCAAGGTCTTCAATGATAAGCTCCCAAATAATGAAGATAGAGTCAGAG[G>A]AAGTTTTGCTTTTGATTCACCTCATCATTACACGCCTATTGAAGGAACTCCTTACTGTTT-3'
Protein context (NP_000029.2, residues 1826-1846): KLPNNEDRVR[Gly1836Glu]SFAFDSPHHY